The following is an entry in ClinVar:

ClinVar aggregate classification (germline): Uncertain significance. Review status: criteria provided, multiple submitters, no conflicts (2 of 4 stars). 3 submissions from 3 submitters: Uncertain significance (3). Last evaluated 2024-12-16.

Conditions:
Hereditary cancer-predisposing syndrome. Also called: Tumor predisposition; Hereditary neoplastic syndrome; Neoplastic Syndromes, Hereditary; Hereditary Cancer Syndrome. Identifiers: Orphanet 140162, MedGen C0027672, MeSH D009386, MONDO:0015356.
Familial cancer of breast. Also called: BREAST CANCER, FAMILIAL; Hereditary breast cancer; hereditary breast carcinoma. Identifiers: Orphanet 227535, MedGen C0346153, MONDO:0016419, OMIM 114480. Disease mechanism: loss of function.

Allele frequency attached by ClinVar (database versions not stated): TOPMed below 0.00001; gnomAD 0.00001; gnomAD exomes 0.00001; ExAC 0.00002.
gnomAD v4.1: 4 of 1,613,878 alleles (0.00025%); highest among the groups gnomAD compares: Non-Finnish European, 0.00034%; no homozygotes.

Submissions (3):

Ambry Genetics
Classification: Uncertain significance for Hereditary cancer-predisposing syndrome. Last evaluated: 2024-12-16. Review status: criteria provided, single submitter. Criteria: Ambry Variant Classification Scheme 2023. Collection method: clinical testing. Allele origin: germline.
Comment: The p.D118E variant (also known as c.354C>A), located in coding exon 2 of the CHEK2 gene, results from a C to A substitution at nucleotide position 354. The aspartic acid at codon 118 is replaced by glutamic acid, an amino acid with highly similar properties. This alteration was reported as functional in a study assessing CHEK2-complementation through quantification of KAP1 phosphorylation and CHK2 autophosphorylation in human RPE1-CHEK2-knockout cells (Stolarova L et al. Clin Cancer Res, 2023 Aug;29:3037-3050). This amino acid position is highly conserved in available vertebrate species. In addition, the in silico prediction for this alteration is inconclusive. Based on the available evidence, the clinical significance of this variant remains unclear.

Labcorp Genetics (formerly Invitae), Labcorp
Classification: Uncertain significance for Familial cancer of breast. Last evaluated: 2024-10-29. Review status: criteria provided, single submitter. Criteria: Invitae Variant Classification Sherloc (09022015). Collection method: clinical testing. Allele origin: germline.
Comment: This sequence change replaces aspartic acid, which is acidic and polar, with glutamic acid, which is acidic and polar, at codon 118 of the CHEK2 protein (p.Asp118Glu). This variant is present in population databases (rs757340619, gnomAD 0.002%). This variant has not been reported in the literature in individuals affected with CHEK2-related conditions. ClinVar contains an entry for this variant (Variation ID: 957684). An algorithm developed to predict the effect of missense changes on protein structure and function (PolyPhen-2) suggests that this variant is likely to be disruptive. In summary, the available evidence is currently insufficient to determine the role of this variant in disease. Therefore, it has been classified as a Variant of Uncertain Significance.

Color Diagnostics, LLC DBA Color Health
Classification: Uncertain significance for Hereditary cancer-predisposing syndrome. Last evaluated: 2021-01-13. Review status: criteria provided, single submitter. Criteria: ACMG Guidelines, 2015. Collection method: clinical testing. Allele origin: germline.
Comment: This missense variant replaces aspartic acid with glutamic acid at codon 118 of the CHEK2 protein. Computational prediction is inconclusive regarding the impact of this variant on protein structure and function (internally defined REVEL score threshold 0.5 < inconclusive < 0.7, PMID: 27666373). To our knowledge, functional studies have not been reported for this variant. This variant has not been reported in individuals affected with hereditary cancer in the literature. This variant has been identified in 2/251274 chromosomes in the general population by the Genome Aggregation Database (gnomAD). The available evidence is insufficient to determine the role of this variant in disease conclusively. Therefore, this variant is classified as a Variant of Uncertain Significance.

Literature cited by the submitters: PubMed 37449874 (cited by Ambry Genetics).

NM_007194.4(CHEK2):c.354C>A (p.Asp118Glu)

Gene: CHEK2 (checkpoint kinase 2; minus strand). Cytogenetic location: 22q12.1.
Variant type: single nucleotide variant.
Coding change: c.354C>A on transcript NM_007194.4 (MANE Select); coding-DNA position 354, C replaced by A.
Protein change: p.Asp118Glu; replaces aspartic acid 118 with glutamic acid.
Molecular consequence: missense variant.
Genome position (GRCh38, 1-based): chr22:28,725,333, G>T on the plus strand (C>A on the coding strand, the complement: CHEK2 is on the minus strand). VCF-style: chr22-28725333-G-T. GRCh37 (hg19) VCF-style: chr22-29121321-G-T.
Other names: c.483C>A, p.Asp161Glu (NM_001005735.3); c.-424C>A (NM_001257387.3); c.354C>A, p.Asp118Glu (NM_001349956.3, NM_145862.3); short protein forms D161E, D118E.
Identifiers: ClinVar variation 957684 (VCV000957684.14), dbSNP rs757340619, ClinGen allele CA10168015.